The following is an entry in ClinVar:

ClinVar aggregate classification (germline): Uncertain significance (1 of 4 stars; one submission).

Conditions:
Cardiovascular phenotype. Identifiers: MedGen CN230736.

Allele frequency attached by ClinVar (database versions not stated): gnomAD exomes below 0.00001; TOPMed 0.00001; gnomAD 0.00002.

Submission:

Ambry Genetics
Classification: Uncertain significance for Cardiovascular phenotype. Last evaluated: 2022-04-09. Review status: criteria provided, single submitter. Criteria: Ambry Variant Classification Scheme 2023. Collection method: clinical testing. Allele origin: germline.
Comment: The p.M147T variant (also known as c.440T>C), located in coding exon 4 of the LIPA gene, results from a T to C substitution at nucleotide position 440. The methionine at codon 147 is replaced by threonine, an amino acid with similar properties. This amino acid position is conserved. In addition, this alteration is predicted to be deleterious by in silico analysis. Since supporting evidence is limited at this time, the clinical significance of this alteration remains unclear.

NM_000235.4(LIPA):c.440T>C (p.Met147Thr)

Gene: LIPA (lipase A, lysosomal acid type; minus strand). Cytogenetic location: 10q23.31.
Variant type: single nucleotide variant.
Coding change: c.440T>C on transcript NM_000235.4 (MANE Select); coding-DNA position 440, T replaced by C.
Protein change: p.Met147Thr; replaces methionine 147 with threonine.
Molecular consequence: missense variant.
Genome position (GRCh38, 1-based): chr10:89,226,993, A>G on the plus strand (T>C on the coding strand, the complement: LIPA is on the minus strand). VCF-style: chr10-89226993-A-G. GRCh37 (hg19) VCF-style: chr10-90986750-A-G.
Other names: c.440T>C, p.Met147Thr (NM_001127605.3); c.92T>C, p.Met31Thr (NM_001288979.2); short protein forms M147T, M31T.
Identifiers: ClinVar variation 1740394 (VCV001740394.2), dbSNP rs1248848437, ClinGen allele CA377517675.